The following is an entry in ClinVar:

NM_000298.6(PKLR):c.1511G>T (p.Arg504Leu)

Gene: PKLR (pyruvate kinase L/R; minus strand). Cytogenetic location: 1q22.
Variant type: single nucleotide variant.
Coding change: c.1511G>T on transcript NM_000298.6 (MANE Select); coding-DNA position 1511, G replaced by T.
Protein change: p.Arg504Leu; replaces arginine 504 with leucine.
Molecular consequence: missense variant.
Genome position (GRCh38, 1-based): chr1:155,291,863, C>A on the plus strand (G>T on the coding strand, the complement: PKLR is on the minus strand). VCF-style: chr1-155291863-C-A. GRCh37 (hg19) VCF-style: chr1-155261654-C-A.
Other names: c.1418G>T, p.Arg473Leu (NM_181871.4); short protein forms R473L, R504L.
Identifiers: ClinVar variation 2431446 (VCV002431446.3), dbSNP rs185753709, ClinGen allele CA1143977.

ClinVar aggregate classification (germline): Pathogenic/Likely pathogenic. Review status: criteria provided, multiple submitters, no conflicts (2 of 4 stars). 3 submissions from 3 submitters: Pathogenic (1); Likely pathogenic (2). Last evaluated 2026-08-06.

Conditions:
Pyruvate kinase deficiency of red cells (CNSHA2). Also called: PK DEFICIENCY; PYRUVATE KINASE DEFICIENCY OF ERYTHROCYTE; Pyruvate kinase deficiency, Amish type. Identifiers: Orphanet 766, MedGen C0340968, MONDO:0009950, OMIM 266200.
Pyruvate kinase hyperactivity. Identifiers: MedGen C1863224, MONDO:0007067, OMIM 102900.

Allele frequency attached by ClinVar (database versions not stated): ExAC 0.00001; 1000 Genomes Project 0.00020; 1000 Genomes Project 30x 0.00016; gnomAD 0.00001; TOPMed 0.00001.

Submissions (3):

OLLIN Analises Genomicas, OLLIN
Classification: Pathogenic for Pyruvate kinase hyperactivity. Last evaluated: 2026-08-06. Review status: criteria provided, single submitter. Criteria: ACMG Guidelines 2015 PMID 25741868. Collection method: clinical testing. Allele origin: germline. Inheritance: Autosomal dominant inheritance.
Comment: This missense variant, located in exon 10 (of 11), has been reported in ClinVar (accession VCV002431446.2) and in gnomAD with an allele frequency of 0.00012%. However, to our knowledge, it has not been reported in the scientific literature. In silico analysis predicts that this variant has a deleterious effect. Another pathogenic variant affecting the same amino acid residue has been reported. This gene is constrained for missense variation. According to the currently available evidence, this variant has been classified as pathogenic (PM2_P, PM5, PM3, PP2, PP3_S).

Revvity Omics, Revvity
Classification: Likely pathogenic. Last evaluated: 2024-01-03. Review status: criteria provided, single submitter. Criteria: ACMG Guidelines, 2015. Collection method: clinical testing. Allele origin: germline.

Laboratorio de Genetica e Diagnostico Molecular, Hospital Israelita Albert Einstein
Classification: Likely pathogenic for Pyruvate kinase deficiency of red cells. Last evaluated: 2023-01-19. Review status: criteria provided, single submitter. Criteria: ACMG Guidelines, 2015. Collection method: clinical testing. Allele origin: germline. Affected: yes. Observed: 1 variant allele.
Comment: ACMG classification criteria: PM2 moderated, PM3 moderated, PM5 moderated, PP3 supporting